The following is an entry in ClinVar:

NM_001378328.1(CELSR1):c.5702-1G>C

Gene: CELSR1 (cadherin EGF LAG seven-pass G-type receptor 1; minus strand). Cytogenetic location: 22q13.31.
Variant type: single nucleotide variant.
Coding change: c.5702-1G>C on transcript NM_001378328.1 (MANE Select); the canonical splice acceptor site of the intron before coding-DNA position 5702, G replaced by C.
Molecular consequence: splice acceptor variant.
Genome position (GRCh38, 1-based): chr22:46,396,747, C>G on the plus strand (G>C on the coding strand, the complement: CELSR1 is on the minus strand). VCF-style: chr22-46396747-C-G. GRCh37 (hg19) VCF-style: chr22-46792644-C-G.
Other names: c.5702-1G>C (NM_014246.4).
Identifiers: ClinVar variation 598923 (VCV000598923.4), dbSNP rs1569133268, ClinGen allele CA411946701.

ClinVar aggregate classification (germline): Likely pathogenic (1 of 4 stars; one submission).

Conditions:
Lymphatic malformation (LM). Identifiers: MedGen C0398368, MONDO:0019313. Disease mechanism: gain of function.

Submission:

MAGI'S LAB - Medical Genetics Laboratory, MAGI GROUP
Classification: Likely pathogenic for Hereditary lymphedema. Last evaluated: 2018-10-25. Review status: criteria provided, single submitter. Criteria: ACMG Guidelines, 2015. Collection method: clinical testing. Allele origin: unknown. Inheritance: Autosomal dominant inheritance. Affected: yes. Observed: 1 heterozygote.
Comment: The loss of function variant falls in a canonical - 1 splice site and can be considered a private variant since it is not listed in any of the public database questioned. In summary, the c.5702-1G>C variant meets the criteria of the American College of Medical Genetics and Genomics guidelines (Richards et al., 2015) to be classified as pathogenic based upon type of variation and absence from controls.